The following is an entry in ClinVar:

NM_006939.4(SOS2):c.3076-17A>T

Gene: SOS2 (SOS Ras/Rho guanine nucleotide exchange factor 2; minus strand). Cytogenetic location: 14q21.3.
Variant type: single nucleotide variant.
Coding change: c.3076-17A>T on transcript NM_006939.4 (MANE Select); 17 bases into the intron before coding-DNA position 3076, A replaced by T.
Molecular consequence: intron variant.
Genome position (GRCh38, 1-based): chr14:50,130,779, T>A on the plus strand (A>T on the coding strand, the complement: SOS2 is on the minus strand). VCF-style: chr14-50130779-T-A. GRCh37 (hg19) VCF-style: chr14-50597497-T-A.
Identifiers: ClinVar variation 1192235 (VCV001192235.11), dbSNP rs200184350, ClinGen allele CA7176873.

ClinVar aggregate classification (germline): Benign/Likely benign. Review status: criteria provided, multiple submitters, no conflicts (2 of 4 stars). 4 submissions from 4 submitters: Benign (2); Likely benign (2). Last evaluated 2026-01-28.

Conditions:
Noonan syndrome 9 (NS9). Identifiers: Orphanet 648, MedGen C4225282, MONDO:0014691, OMIM 616559.

Allele frequency attached by ClinVar (database versions not stated): gnomAD 0.00016 and 0.00018; TOPMed 0.00019; gnomAD exomes 0.00020; ExAC 0.00021; ESP Exome Variant Server 0.00046.
gnomAD v4.1: 460 of 1,582,160 alleles (0.029%); highest among the groups gnomAD compares: Non-Finnish European, 0.038%; no homozygotes.

Submissions (4):

Labcorp Genetics (formerly Invitae), Labcorp
Classification: Likely benign for Noonan syndrome 9. Last evaluated: 2026-01-28. Review status: criteria provided, single submitter. Criteria: Invitae Variant Classification Sherloc (09022015). Collection method: clinical testing. Allele origin: germline.

Blueprint Genetics
Classification: Likely benign. Last evaluated: 2024-04-03. Review status: criteria provided, single submitter. Criteria: ACMG Guidelines, 2015. Collection method: clinical testing. Allele origin: germline.

Women's Health and Genetics/Laboratory Corporation of America, LabCorp
Classification: Benign. Last evaluated: 2021-07-19. Review status: criteria provided, single submitter. Criteria: LabCorp Variant Classification Summary - May 2015. Collection method: clinical testing. Allele origin: germline.
Comment: Variant summary: SOS2 c.3076-17A>T alters a non-conserved nucleotide located close to a canonical splice site and therefore could affect mRNA splicing, leading to a significantly altered protein sequence. 4/4 computational tools predict no significant impact on normal splicing. However, these predictions have yet to be confirmed by functional studies. The variant allele was found at a frequency of 0.0002 in 223548 control chromosomes, predominantly at a frequency of 0.0004 within the Non-Finnish European subpopulation in the gnomAD database. The observed variant frequency within Non-Finnish European control individuals in the gnomAD database is approximately 160 fold of the estimated maximal expected allele frequency for a pathogenic variant in SOS2 causing Noonan Syndrome phenotype (2.5e-06), strongly suggesting that the variant is a benign polymorphism found primarily in populations of Non-Finnish European origin. To our knowledge, no occurrence of c.3076-17A>T in individuals affected with Noonan Syndrome and no experimental evidence demonstrating its impact on protein function have been reported. No clinical diagnostic laboratories have submitted clinical-significance assessments for this variant to ClinVar after 2014. Based on the evidence outlined above, the variant was classified as benign.

Genome-Nilou Lab
Classification: Benign for Noonan syndrome 9. Review status: criteria provided, single submitter. Criteria: ACMG Guidelines, 2015. Collection method: clinical testing. Allele origin: germline.